The following is an entry in ClinVar:

NM_021975.4(RELA):c.494T>C (p.Val165Ala)

Gene: RELA (RELA proto-oncogene, NF-kB subunit; minus strand). Cytogenetic location: 11q13.1.
Variant type: single nucleotide variant.
Coding change: c.494T>C on transcript NM_021975.4 (MANE Select); coding-DNA position 494, T replaced by C.
Protein change: p.Val165Ala; replaces valine 165 with alanine.
Molecular consequence: missense variant.
Genome position (GRCh38, 1-based): chr11:65,659,731, A>G on the plus strand (T>C on the coding strand, the complement: RELA is on the minus strand). VCF-style: chr11-65659731-A-G. GRCh37 (hg19) VCF-style: chr11-65427202-A-G.
Other names: c.485T>C, p.Val162Ala (NM_001145138.2); c.494T>C, p.Val165Ala (NM_001243984.2, NM_001243985.2); short protein forms V165A, V162A.
Identifiers: ClinVar variation 1388089 (VCV001388089.6), dbSNP rs957917859, ClinGen allele CA224010160.

ClinVar aggregate classification (germline): Uncertain significance (1 of 4 stars; one submission).

Allele frequency attached by ClinVar (database versions not stated): gnomAD exomes below 0.00001; gnomAD 0.00001; TOPMed 0.00001.
gnomAD v4.1: 7 of 1,613,764 alleles (0.00043%); highest among the groups gnomAD compares: Non-Finnish European, 0.00059%; no homozygotes.

Submission:

Labcorp Genetics (formerly Invitae), Labcorp
Classification: Uncertain significance. Last evaluated: 2023-06-06. Review status: criteria provided, single submitter. Criteria: Invitae Variant Classification Sherloc (09022015). Collection method: clinical testing. Allele origin: germline.
Comment: ClinVar contains an entry for this variant (Variation ID: 1388089). An algorithm developed to predict the effect of missense changes on protein structure and function (PolyPhen-2) suggests that this variant is likely to be disruptive. In summary, the available evidence is currently insufficient to determine the role of this variant in disease. Therefore, it has been classified as a Variant of Uncertain Significance. This variant has not been reported in the literature in individuals affected with RELA-related conditions. This variant is not present in population databases (gnomAD no frequency). This sequence change replaces valine, which is neutral and non-polar, with alanine, which is neutral and non-polar, at codon 165 of the RELA protein (p.Val165Ala).